The following is an entry in ClinVar:

NM_001113378.2(FANCI):c.2627A>G (p.Asp876Gly)

Gene: FANCI (FA complementation group I; plus strand). Cytogenetic location: 15q26.1.
Variant type: single nucleotide variant.
Coding change: c.2627A>G on transcript NM_001113378.2 (MANE Select); coding-DNA position 2627, A replaced by G.
Protein change: p.Asp876Gly; replaces aspartic acid 876 with glycine.
Molecular consequence: missense variant. On other transcripts: intron variant (1).
Genome position (GRCh38, 1-based): chr15:89,295,085, A>G. VCF-style: chr15-89295085-A-G. GRCh37 (hg19) VCF-style: chr15-89838316-A-G.
Other names: c.2348A>G, p.Asp783Gly (NM_001376910.1); c.2627A>G, p.Asp876Gly (NM_001376911.1); c.2456+1088A>G (NM_018193.3); short protein forms D876G, D783G.
Identifiers: ClinVar variation 1373824 (VCV001373824.8), dbSNP rs545673916, ClinGen allele CA7723412.

ClinVar aggregate classification (germline): Uncertain significance. Review status: criteria provided, multiple submitters, no conflicts (2 of 4 stars). 2 submissions from 2 submitters: Uncertain significance (2). Last evaluated 2025-11-25.

Conditions:
Fanconi anemia (FA). Also called: Fanconi's anemia. Identifiers: Orphanet 84, MedGen C0015625, MeSH D005199, MONDO:0019391.
Fanconi anemia complementation group I (FANCI). Also called: FANCI-Related Fanconi Anemia. Identifiers: Orphanet 84, MedGen C1836861, MONDO:0012186, OMIM 609053.

Allele frequency attached by ClinVar (database versions not stated): TOPMed below 0.00001; gnomAD exomes 0.00003 and 0.00004; ExAC 0.00005; 1000 Genomes Project 30x 0.00016; 1000 Genomes Project 0.00020.
gnomAD v4.1: 55 of 1,551,668 alleles (0.0035%); highest among the groups gnomAD compares: East Asian, 0.12%; no homozygotes.

Submissions (2):

Labcorp Genetics (formerly Invitae), Labcorp
Classification: Uncertain significance for Fanconi anemia. Last evaluated: 2025-11-25. Review status: criteria provided, single submitter. Criteria: Invitae Variant Classification Sherloc (09022015). Collection method: clinical testing. Allele origin: germline.
Comment: This sequence change replaces aspartic acid, which is acidic and polar, with glycine, which is neutral and non-polar, at codon 876 of the FANCI protein (p.Asp876Gly). This variant is present in population databases (rs545673916, gnomAD 0.01%). This variant has not been reported in the literature in individuals affected with FANCI-related conditions. ClinVar contains an entry for this variant (Variation ID: 1373824). An algorithm developed to predict the effect of missense changes on protein structure and function (PolyPhen-2) suggests that this variant is likely to be tolerated. In summary, the available evidence is currently insufficient to determine the role of this variant in disease. Therefore, it has been classified as a Variant of Uncertain Significance.

Fulgent Genetics
Classification: Uncertain significance for Fanconi anemia complementation group I. Last evaluated: 2024-04-30. Review status: criteria provided, single submitter. Criteria: ACMG Guidelines, 2015. Collection method: clinical testing. Allele origin: germline.